The following is an entry in ClinVar:

NM_017802.4(DNAAF5):c.1245C>T (p.Ala415=)

Gene: DNAAF5 (dynein axonemal assembly factor 5; plus strand). Cytogenetic location: 7p22.3.
Variant type: single nucleotide variant.
Coding change: c.1245C>T on transcript NM_017802.4 (MANE Select); coding-DNA position 1245, C replaced by T.
Protein change: p.Ala415=; no amino-acid change (alanine 415 retained).
Molecular consequence: synonymous variant. On other transcripts: non-coding transcript variant (1).
Genome position (GRCh38, 1-based): chr7:754,809, C>T. VCF-style: chr7-754809-C-T. GRCh37 (hg19) VCF-style: chr7-794446-C-T.
Other names: p.Ala415=.
Identifiers: ClinVar variation 241195 (VCV000241195.40), dbSNP rs146922072, ClinGen allele CA4110645.

ClinVar aggregate classification (germline): Benign/Likely benign. Review status: criteria provided, multiple submitters, no conflicts (2 of 4 stars). 5 submissions from 5 submitters: Benign (3); Likely benign (2). Last evaluated 2026-01-25.

Conditions:
Primary ciliary dyskinesia. Also called: Ciliary dyskinesia. Identifiers: Orphanet 244, MedGen C0008780, MONDO:0016575, HP:0012265.

Allele frequency attached by ClinVar (database versions not stated): 1000 Genomes Project 0.00020; 1000 Genomes Project 30x 0.00031; gnomAD 0.00173 and 0.00180; TOPMed 0.00201; ExAC 0.00220; ESP Exome Variant Server 0.00269; gnomAD exomes 0.00276.
gnomAD v4.1: 2,364 of 1,604,072 alleles (0.15%); highest among the groups gnomAD compares: Admixed American, 0.22%; 37 homozygotes.

Submissions (5):

Labcorp Genetics (formerly Invitae), Labcorp
Classification: Benign for Primary ciliary dyskinesia. Last evaluated: 2026-01-25. Review status: criteria provided, single submitter. Criteria: Invitae Variant Classification Sherloc (09022015). Collection method: clinical testing. Allele origin: germline.

CeGaT Center for Human Genetics Tuebingen
Classification: Likely benign. Last evaluated: 2025-08-01. Review status: criteria provided, single submitter. Criteria: CeGaT Center For Human Genetics Tuebingen Variant Classification Criteria Version 2. Collection method: clinical testing. Allele origin: germline. Affected: yes. Observed: 4 variant alleles.
Comment: DNAAF5: BP4, BP7

Mayo Clinic Laboratories, Mayo Clinic
Classification: Benign. Last evaluated: 2024-10-01. Review status: criteria provided, single submitter. Criteria: ACMG Guidelines, 2015. Collection method: clinical testing. Allele origin: germline. Observed: 2 variant alleles.
Comment: BS1, BS2, BP4, BP7

Ambry Genetics
Classification: Benign for Primary ciliary dyskinesia. Last evaluated: 2017-09-28. Review status: criteria provided, single submitter. Criteria: Ambry Variant Classification Scheme 2023. Collection method: clinical testing. Allele origin: germline.

PreventionGenetics, part of Exact Sciences
Classification: Likely benign. Review status: criteria provided, single submitter. Criteria: ACMG Guidelines, 2015. Collection method: clinical testing. Allele origin: germline.